The following is an entry in ClinVar:

NM_030943.4(AMN):c.1161dup (p.Arg388fs)

Gene: AMN (amnion associated transmembrane protein; plus strand). Cytogenetic location: 14q32.32.
Variant type: Duplication.
Coding change: c.1161dup on transcript NM_030943.4 (MANE Select); coding-DNA position 1161, one base duplicated (G; older notation c.1161dupG).
Protein change: p.Arg388fs; shifts the reading frame from arginine 388.
Molecular consequence: frameshift variant.
Genome position (GRCh38, 1-based): chr14:102,930,319, G duplicated; the last of 4 consecutive G bases (chr14:102,930,316-102,930,319); duplicating any one gives the same sequence. VCF-style (leftmost placement, unchanged base first): chr14-102930315-C-CG. GRCh37 (hg19) VCF-style: chr14-103396652-C-CG.
Other names: c.999dup, p.Arg334Glufs (NM_001425246.1); short protein forms R388fs.
Identifiers: ClinVar variation 3011943 (VCV003011943.3), dbSNP rs2542701625, ClinGen allele CA2740097215.
Genomic context (GRCh38, chr14:102,930,315, plus strand): 5'-CGGCTGCCGTGCTGCTGGCGCTGCTGGTCCTGCTGGTGGCGCCGCCGCTGCTGCGCCGCG[C>CG]GGGGAGGCTCAGGTACGCGGGGCGGGGGCGCGGAGGTGGGGCTGGGGGTTGCTCCGAGGG-3'

ClinVar aggregate classification (germline): Pathogenic (1 of 4 stars; one submission).

Conditions:
Imerslund-Grasbeck syndrome. Also called: Megaloblastic anemia due to inborn errors of metabolism; Imerslund-Gräsbeck syndrome; ENTEROCYTE COBALAMIN MALABSORPTION; ENTEROCYTE INTRINSIC FACTOR RECEPTOR, DEFECT OF; PERNICIOUS ANEMIA, JUVENILE, DUE TO SELECTIVE INTESTINAL MALABSORPTION OF VITAMIN B12, WITH PROTEINURIA. Identifiers: Orphanet 35858, MedGen C4551825, MONDO:0009853.

Submission:

Labcorp Genetics (formerly Invitae), Labcorp
Classification: Pathogenic for Imerslund-Grasbeck syndrome. Last evaluated: 2023-09-17. Review status: criteria provided, single submitter. Criteria: Invitae Variant Classification Sherloc (09022015). Collection method: clinical testing. Allele origin: germline.
Comment: For these reasons, this variant has been classified as Pathogenic. This variant results in an extension of the AMN protein. Other variant(s) that result in a similarly extended protein product (p.His438Glnfs*) have been determined to be pathogenic (PMID: 22929189). This suggests that these extensions are likely to be disease-causing. This variant has not been reported in the literature in individuals affected with AMN-related conditions. This variant is not present in population databases (gnomAD no frequency). This sequence change results in a frameshift in the AMN gene (p.Arg388Glufs*). While this is not anticipated to result in nonsense mediated decay, it is expected to disrupt the last 66 amino acid(s) of the AMN protein and extend the protein by an uncertain number of additional amino acid residues.

Literature cited by the submitters: PubMed 22929189.